The following is an entry in ClinVar:

NM_001287491.2(TET3):c.1468G>C (p.Val490Leu)

Gene: TET3 (tet methylcytosine dioxygenase 3; plus strand). Cytogenetic location: 2p13.1.
Variant type: single nucleotide variant.
Coding change: c.1468G>C on transcript NM_001287491.2 (MANE Select); coding-DNA position 1468, G replaced by C.
Protein change: p.Val490Leu; replaces valine 490 with leucine.
Molecular consequence: missense variant.
Genome position (GRCh38, 1-based): chr2:74,047,385, G>C. VCF-style: chr2-74047385-G-C. GRCh37 (hg19) VCF-style: chr2-74274512-G-C.
Other names: c.1189G>C, p.Val397Leu (NM_001366022.1); short protein forms V397L, V490L.
Identifiers: ClinVar variation 3345520 (VCV003345520.1).

ClinVar aggregate classification (germline): Uncertain significance (0 of 4 stars; one submission).

Conditions:
TET3-related disorder. Also called: TET3-Related Disease; TET3-related condition.

Submission:

PreventionGenetics, part of Exact Sciences
Classification: Uncertain significance for TET3-related condition. Last evaluated: 2024-05-28. Review status: no assertion criteria provided. Collection method: clinical testing. Allele origin: germline.
Comment: The TET3 c.1468G>C variant is predicted to result in the amino acid substitution p.Val490Leu. To our knowledge, this variant has not been reported in the literature or in a large population database, indicating this variant is rare. At this time, the clinical significance of this variant is uncertain due to the absence of conclusive functional and genetic evidence.